The following is an entry in ClinVar:

ClinVar aggregate classification (germline): Uncertain significance. Review status: criteria provided, multiple submitters, no conflicts (2 of 4 stars). 2 submissions from 2 submitters: Uncertain significance (2). Last evaluated 2024-03-15.

Conditions:
Inborn genetic diseases. Identifiers: MedGen C0950123, MeSH D030342.

Allele frequency attached by ClinVar (database versions not stated): gnomAD exomes 0.00001; ExAC 0.00002; gnomAD 0.00013; TOPMed 0.00019.
gnomAD v4.1: 44 of 1,613,718 alleles (0.0027%); highest among the groups gnomAD compares: African/African-American, 0.048%; no homozygotes.

Submissions (2):

Ambry Genetics
Classification: Uncertain significance for Inborn genetic diseases. Last evaluated: 2024-03-15. Review status: criteria provided, single submitter. Criteria: Ambry Variant Classification Scheme 2023. Collection method: clinical testing. Allele origin: germline.

Labcorp Genetics (formerly Invitae), Labcorp
Classification: Uncertain significance. Last evaluated: 2022-08-07. Review status: criteria provided, single submitter. Criteria: Invitae Variant Classification Sherloc (09022015). Collection method: clinical testing. Allele origin: germline.
Comment: This sequence change replaces serine, which is neutral and polar, with asparagine, which is neutral and polar, at codon 713 of the HERC1 protein (p.Ser713Asn). This variant is present in population databases (rs779488866, gnomAD 0.06%). This variant has not been reported in the literature in individuals affected with HERC1-related conditions. Algorithms developed to predict the effect of missense changes on protein structure and function are either unavailable or do not agree on the potential impact of this missense change (SIFT: "Deleterious"; PolyPhen-2: "Benign"; Align-GVGD: "Class C0"). In summary, the available evidence is currently insufficient to determine the role of this variant in disease. Therefore, it has been classified as a Variant of Uncertain Significance.

NM_003922.4(HERC1):c.2138G>A (p.Ser713Asn)

Gene: HERC1 (HECT and RLD domain containing E3 ubiquitin protein ligase family member 1; minus strand). Cytogenetic location: 15q22.31.
Variant type: single nucleotide variant.
Coding change: c.2138G>A on transcript NM_003922.4 (MANE Select); coding-DNA position 2138, G replaced by A.
Protein change: p.Ser713Asn; replaces serine 713 with asparagine.
Molecular consequence: missense variant.
Genome position (GRCh38, 1-based): chr15:63,749,448, C>T on the plus strand (G>A on the coding strand, the complement: HERC1 is on the minus strand). VCF-style: chr15-63749448-C-T. GRCh37 (hg19) VCF-style: chr15-64041647-C-T.
Other names: c.2138G>A (NM_003922.3); short protein forms S713N.
Identifiers: ClinVar variation 2082581 (VCV002082581.2), dbSNP rs779488866, ClinGen allele CA7606329.
Genomic context (GRCh38, chr15:63,749,448, plus strand): 5'-CATGCCAGACTATGTGATGTTCCAGCCGAAATCTGCTGAATAGCTATGCCATCTAAGCCA[C>T]TCACTTTCTTTGGTTTAGTAATAGGACCTGTGGAATTTCCCTGACCACATTGCCCCATTG-3'
Protein context (NP_003913.3, residues 703-723): TGPITKPKKV[Ser713Asn]GLDGIAIQQI